The following is an entry in ClinVar:

ClinVar aggregate classification (germline): Uncertain significance. Review status: criteria provided, multiple submitters, no conflicts (2 of 4 stars). 2 submissions from 2 submitters: Uncertain significance (2). Last evaluated 2025-09-16.

Conditions:
Epilepsy, familial focal, with variable foci 3 (FFEVF3). Identifiers: MedGen C4310708, MONDO:0014925, OMIM 617118.

Allele frequency attached by ClinVar (database versions not stated): ESP Exome Variant Server 0.00008.

Submissions (2):

Labcorp Genetics (formerly Invitae), Labcorp
Classification: Uncertain significance for Epilepsy, familial focal, with variable foci 3. Last evaluated: 2025-09-16. Review status: criteria provided, single submitter. Criteria: Invitae Variant Classification Sherloc (09022015). Collection method: clinical testing. Allele origin: germline.
Comment: This sequence change replaces isoleucine, which is neutral and non-polar, with methionine, which is neutral and non-polar, at codon 248 of the NPRL3 protein (p.Ile248Met). This variant is present in population databases (rs375592476, gnomAD 0.002%). This variant has not been reported in the literature in individuals affected with NPRL3-related conditions. ClinVar contains an entry for this variant (Variation ID: 1314133). Invitae Evidence Modeling of protein sequence and biophysical properties (such as structural, functional, and spatial information, amino acid conservation, physicochemical variation, residue mobility, and thermodynamic stability) indicates that this missense variant is not expected to disrupt NPRL3 protein function with a negative predictive value of 80%. In summary, the available evidence is currently insufficient to determine the role of this variant in disease. Therefore, it has been classified as a Variant of Uncertain Significance.

GeneDx
Classification: Uncertain significance. Last evaluated: 2021-02-26. Review status: criteria provided, single submitter. Criteria: GeneDx Variant Classification Process June 2021. Collection method: clinical testing. Allele origin: germline. Affected: yes.
Comment: Not observed at a significant frequency in large population cohorts (Lek et al., 2016); In silico analysis supports that this missense variant does not alter protein structure/function; Has not been previously published as pathogenic or benign to our knowledge

NM_001077350.3(NPRL3):c.744C>G (p.Ile248Met)

Genes: HBA-LCR (alpha-globin locus control region; plus strand), NPRL3 (NPR3 like, GATOR1 complex subunit; minus strand). Cytogenetic location: 16p13.3.
Variant type: single nucleotide variant.
Coding change: c.744C>G on transcript NM_001077350.3 (MANE Select); coding-DNA position 744, C replaced by G.
Protein change: p.Ile248Met; replaces isoleucine 248 with methionine.
Molecular consequence: missense variant.
Genome position (GRCh38, 1-based): chr16:100,395, G>C on the plus strand (C>G on the coding strand, the complement: NPRL3 is on the minus strand). VCF-style: chr16-100395-G-C. GRCh37 (hg19) VCF-style: chr16-150393-G-C.
Other names: c.207C>G, p.Ile69Met (NM_001039476.3); c.510C>G, p.Ile170Met (NM_001243247.2); c.669C>G, p.Ile223Met (NM_001243248.2, NM_001243249.2); short protein forms I170M, I223M, I248M, I69M.
Identifiers: ClinVar variation 1314133 (VCV001314133.7), dbSNP rs375592476, ClinGen allele CA276411466.